The following is an entry in ClinVar:

ClinVar aggregate classification (germline): Uncertain significance (1 of 4 stars; one submission).

Conditions:
Amyotrophic lateral sclerosis type 4 (ALS4). Also called: NEURONOPATHY, DISTAL HEREDITARY MOTOR, WITH PYRAMIDAL FEATURES; AMYOTROPHIC LATERAL SCLEROSIS 4, JUVENILE. Identifiers: Orphanet 357043, MedGen C1865409, MONDO:0011223, OMIM 602433.
Spinocerebellar ataxia, autosomal recessive, with axonal neuropathy 2 (SCAN2). Also called: Ataxia with Oculomotor Apraxia Type 2; ATAXIA-OCULOMOTOR APRAXIA 2; Ataxia-ocular apraxia-2; Ataxia with Oculomotor Apraxia. Identifiers: Orphanet 64753, MedGen C1853761, MONDO:0018996, OMIM 606002.

Submission:

Labcorp Genetics (formerly Invitae), Labcorp
Classification: Uncertain significance for Amyotrophic lateral sclerosis type 4; Spinocerebellar ataxia, autosomal recessive, with axonal neuropathy 2. Last evaluated: 2024-03-21. Review status: criteria provided, single submitter. Criteria: Invitae Variant Classification Sherloc (09022015). Collection method: clinical testing. Allele origin: germline.
Comment: This sequence change replaces serine, which is neutral and polar, with tryptophan, which is neutral and slightly polar, at codon 1633 of the SETX protein (p.Ser1633Trp). This variant is not present in population databases (gnomAD no frequency). This variant has not been reported in the literature in individuals affected with SETX-related conditions. Advanced modeling of protein sequence and biophysical properties (such as structural, functional, and spatial information, amino acid conservation, physicochemical variation, residue mobility, and thermodynamic stability) performed at Invitae indicates that this missense variant is not expected to disrupt SETX protein function with a negative predictive value of 95%. In summary, the available evidence is currently insufficient to determine the role of this variant in disease. Therefore, it has been classified as a Variant of Uncertain Significance.

NM_015046.7(SETX):c.4898C>G (p.Ser1633Trp)

Gene: SETX (senataxin; minus strand). Cytogenetic location: 9q34.13.
Variant type: single nucleotide variant.
Coding change: c.4898C>G on transcript NM_015046.7 (MANE Select); coding-DNA position 4898, C replaced by G.
Protein change: p.Ser1633Trp; replaces serine 1633 with tryptophan.
Molecular consequence: missense variant.
Genome position (GRCh38, 1-based): chr9:132,326,700, G>C on the plus strand (C>G on the coding strand, the complement: SETX is on the minus strand). VCF-style: chr9-132326700-G-C. GRCh37 (hg19) VCF-style: chr9-135202087-G-C.
Other names: c.4898C>G, p.Ser1633Trp (NM_001351527.2, NM_001351528.2); short protein forms S1633W.
Identifiers: ClinVar variation 3749175 (VCV003749175.2).